The following is an entry in ClinVar:

NM_024298.5(MBOAT7):c.811dup (p.Arg271fs)

Gene: MBOAT7 (membrane bound acylglycerophosphatidylinositol O-acyltransferase MBOAT7; minus strand). Cytogenetic location: 19q13.42.
Variant type: Duplication.
Coding change: c.811dup on transcript NM_024298.5 (MANE Select); coding-DNA position 811, one base duplicated (C; older notation c.811dupC).
Protein change: p.Arg271fs; shifts the reading frame from arginine 271.
Molecular consequence: frameshift variant.
Genome position (GRCh38, 1-based): chr19:54,180,816, G duplicated on the plus strand (C on the coding strand, the reverse complement: MBOAT7 is on the minus strand); the first of 3 consecutive G bases (chr19:54,180,816-54,180,818); duplicating any one gives the same sequence. VCF-style (leftmost placement, unchanged base first): chr19-54180815-C-CG. GRCh37 (hg19) VCF-style: chr19-54684532-C-CG.
Other names: c.592dup, p.Arg198fs (NM_001146056.3, NM_001146083.3); c.811dup, p.Arg271fs (NM_001146082.3); short protein forms R198fs, R271fs.
Identifiers: ClinVar variation 1333419 (VCV001333419.1), dbSNP rs2146989146, ClinGen allele CA2573054828.

ClinVar aggregate classification (germline): Likely pathogenic (1 of 4 stars; one submission).

Conditions:
Intellectual developmental disorder, autosomal recessive 57. Also called: Intellectual disability, autosomal recessive 57. Identifiers: MedGen C4310673, MONDO:0014962, OMIM 617188.

Submission:

3billion
Classification: Likely pathogenic for Intellectual developmental disorder, autosomal recessive 57. Last evaluated: 2022-01-03. Review status: criteria provided, single submitter. Criteria: ACMG Guidelines, 2015. Collection method: clinical testing. Allele origin: germline. Affected: yes. Observed: 1 heterozygote.
Comment: Frameshift: predicted to result in a loss or disruption of normal protein function through nonsense-mediated decay (NMD) or protein truncation. Multiple pathogenic variants are reported downstream of the variant (PVS1_VS). It is not observed in the gnomAD v2.1.1 dataset (PM2_M). Therefore, this variant is classified as likely pathogenic according to the recommendation of ACMG/AMP guideline.